The following is an entry in ClinVar:

ClinVar aggregate classification (germline): Likely benign. Review status: criteria provided, single submitter (1 of 4 stars). 2 submissions from 2 submitters: Likely benign (1). 1 of the submissions does not count toward it. Last evaluated 2024-07-03.

Conditions:
TFR2-related disorder. Also called: TFR2-related condition.
Hereditary hemochromatosis (HFE). Identifiers: MedGen C0392514, MONDO:0006507. Disease mechanism: loss of function.

gnomAD v4.1: 5 of 1,613,962 alleles (0.00031%); highest among the groups gnomAD compares: Non-Finnish European, 0.00042%; no homozygotes.

Submissions (2):

Labcorp Genetics (formerly Invitae), Labcorp
Classification: Likely benign for Hereditary hemochromatosis. Last evaluated: 2024-07-03. Review status: criteria provided, single submitter. Criteria: Invitae Variant Classification Sherloc (09022015). Collection method: clinical testing. Allele origin: germline.

PreventionGenetics, part of Exact Sciences
Classification: Likely benign for TFR2-related condition. Last evaluated: 2022-04-22. Review status: no assertion criteria provided. Collection method: clinical testing. Allele origin: germline. Not counted in ClinVar's aggregate classification.
Comment: This variant is classified as likely benign based on ACMG/AMP sequence variant interpretation guidelines (Richards et al. 2015 PMID: 25741868, with internal and published modifications).

NM_003227.4(TFR2):c.984A>G (p.Gly328=)

Gene: TFR2 (transferrin receptor 2; minus strand). Cytogenetic location: 7q22.1.
Variant type: single nucleotide variant.
Coding change: c.984A>G on transcript NM_003227.4 (MANE Select); coding-DNA position 984, A replaced by G.
Protein change: p.Gly328=; no amino-acid change (glycine 328 retained).
Molecular consequence: synonymous variant.
Genome position (GRCh38, 1-based): chr7:100,631,928, T>C on the plus strand (A>G on the coding strand, the complement: TFR2 is on the minus strand). VCF-style: chr7-100631928-T-C. GRCh37 (hg19) VCF-style: chr7-100229551-T-C.
Other names: c.471A>G, p.Gly157= (NM_001206855.3); c.984A>G (NM_003227.3).
Identifiers: ClinVar variation 1143328 (VCV001143328.11), dbSNP rs372774524, ClinGen allele CA4386621.